The following is an entry in ClinVar:

ClinVar aggregate classification (germline): Likely benign. Review status: criteria provided, multiple submitters, no conflicts (2 of 4 stars). 3 submissions from 3 submitters: Likely benign (3). Last evaluated 2025-08-22.

Conditions:
Developmental and epileptic encephalopathy, 34 (DEE34). Also called: Early infantile epileptic encephalopathy 34; SLC12A5-Related Epilepsy of Infancy with Migrating Focal Seizures. Identifiers: Orphanet 293181, MedGen C4225257, MONDO:0014718, OMIM 616645.

Allele frequency attached by ClinVar (database versions not stated): ESP Exome Variant Server 0.00023; gnomAD 0.00042 and 0.00045; 1000 Genomes Project 30x 0.00078; 1000 Genomes Project 0.00080.

Submissions (3):

Labcorp Genetics (formerly Invitae), Labcorp
Classification: Likely benign for Developmental and epileptic encephalopathy, 34. Last evaluated: 2025-08-22. Review status: criteria provided, single submitter. Criteria: Invitae Variant Classification Sherloc (09022015). Collection method: clinical testing. Allele origin: germline.

Blueprint Genetics
Classification: Likely benign. Last evaluated: 2024-09-23. Review status: criteria provided, single submitter. Criteria: ACMG Guidelines, 2015. Collection method: clinical testing. Allele origin: germline.

CeGaT Center for Human Genetics Tuebingen
Classification: Likely benign. Last evaluated: 2024-07-01. Review status: criteria provided, single submitter. Criteria: CeGaT Center For Human Genetics Tuebingen Variant Classification Criteria Version 2. Collection method: clinical testing. Allele origin: germline. Affected: yes. Observed: 1 variant allele.
Comment: SLC12A5: BP4, BP7

NM_020708.5(SLC12A5):c.276G>C (p.Val92=)

Gene: SLC12A5 (solute carrier family 12 member 5; plus strand). Cytogenetic location: 20q13.12.
Variant type: single nucleotide variant.
Coding change: c.276G>C on transcript NM_020708.5 (MANE Select); coding-DNA position 276, G replaced by C.
Protein change: p.Val92=; no amino-acid change (valine 92 retained).
Molecular consequence: synonymous variant.
Genome position (GRCh38, 1-based): chr20:46,035,532, G>C. VCF-style: chr20-46035532-G-C. GRCh37 (hg19) VCF-style: chr20-44664171-G-C.
Other names: c.345G>C, p.Val115= (NM_001134771.2).
Identifiers: ClinVar variation 1141217 (VCV001141217.27), dbSNP rs141848967, ClinGen allele CA9887002.
Genomic context (GRCh38, chr20:46,035,532, plus strand): 5'-CCAGGGAAGTAGGGAGCATGAAGAGGCAGAAAACAATGAGGGTGGAAAAAAGAAGCCGGT[G>C]CAGGTGAGGACCTCGGGGGATGAGAAATGGAAGAAAAGGGACGGATGGGGGGTGGGGGAG-3'
Protein context (NP_065759.1, residues 82-102): ENNEGGKKKP[Val92=]QAPRMGTFMG